The following is an entry in ClinVar:

NM_005963.4(MYH1):c.3031C>T (p.Leu1011=)

Genes: MYH1 (myosin heavy chain 1; minus strand), MYHAS (myosin heavy chain gene cluster antisense RNA; plus strand). Cytogenetic location: 17p13.1.
Variant type: single nucleotide variant.
Coding change: c.3031C>T on transcript NM_005963.4 (MANE Select); coding-DNA position 3031, C replaced by T.
Protein change: p.Leu1011=; no amino-acid change (leucine 1011 retained).
Molecular consequence: synonymous variant.
Genome position (GRCh38, 1-based): chr17:10,502,818, G>A on the plus strand (C>T on the coding strand, the complement: MYH1 is on the minus strand). VCF-style: chr17-10502818-G-A. GRCh37 (hg19) VCF-style: chr17-10406135-G-A.
Identifiers: ClinVar variation 3239109 (VCV003239109.19), dbSNP rs374305671.

ClinVar aggregate classification (germline): Uncertain significance (1 of 4 stars; one submission).

Allele frequency attached by ClinVar (database versions not stated): ESP Exome Variant Server 0.00008; gnomAD exomes 0.00018; gnomAD 0.00026; ExAC 0.00029.
gnomAD v4.1: 331 of 1,613,954 alleles (0.021%); highest among the groups gnomAD compares: Middle Eastern, 0.033%; no homozygotes.

Submission:

CeGaT Center for Human Genetics Tuebingen
Classification: Uncertain significance. Last evaluated: 2024-05-01. Review status: criteria provided, single submitter. Criteria: CeGaT Center For Human Genetics Tuebingen Variant Classification Criteria Version 2. Collection method: clinical testing. Allele origin: germline. Affected: yes. Observed: 1 variant allele.
Comment: MYH1: PM2, BP4